The following is an entry in ClinVar:

ClinVar aggregate classification (germline): Uncertain significance. Review status: criteria provided, multiple submitters, no conflicts (2 of 4 stars). 2 submissions from 2 submitters: Uncertain significance (2). Last evaluated 2025-09-11.

Conditions:
Inborn genetic diseases. Identifiers: MedGen C0950123, MeSH D030342.

gnomAD v4.1: 3 of 1,614,000 alleles (0.00019%); highest among the groups gnomAD compares: African/African-American, 0.004%; no homozygotes.

Submissions (2):

Ambry Genetics
Classification: Uncertain significance for Inborn genetic diseases. Last evaluated: 2025-09-11. Review status: criteria provided, single submitter. Criteria: Ambry Variant Classification Scheme 2023. Collection method: clinical testing. Allele origin: germline.

Labcorp Genetics (formerly Invitae), Labcorp
Classification: Uncertain significance. Last evaluated: 2025-01-19. Review status: criteria provided, single submitter. Criteria: Invitae Variant Classification Sherloc (09022015). Collection method: clinical testing. Allele origin: germline.
Comment: This sequence change replaces alanine, which is neutral and non-polar, with glycine, which is neutral and non-polar, at codon 401 of the GHR protein (p.Ala401Gly). This variant is present in population databases (rs748081826, gnomAD 0.007%). This variant has not been reported in the literature in individuals affected with GHR-related conditions. Invitae Evidence Modeling of protein sequence and biophysical properties (such as structural, functional, and spatial information, amino acid conservation, physicochemical variation, residue mobility, and thermodynamic stability) indicates that this missense variant is not expected to disrupt GHR protein function with a negative predictive value of 95%. In summary, the available evidence is currently insufficient to determine the role of this variant in disease. Therefore, it has been classified as a Variant of Uncertain Significance.

NM_000163.5(GHR):c.1202C>G (p.Ala401Gly)

Gene: GHR (growth hormone receptor; plus strand). Cytogenetic location: 5p12.
Variant type: single nucleotide variant.
Coding change: c.1202C>G on transcript NM_000163.5 (MANE Select); coding-DNA position 1202, C replaced by G.
Protein change: p.Ala401Gly; replaces alanine 401 with glycine.
Molecular consequence: missense variant. On other transcripts: 3 prime UTR variant (1).
Genome position (GRCh38, 1-based): chr5:42,718,709, C>G. VCF-style: chr5-42718709-C-G. GRCh37 (hg19) VCF-style: chr5-42718811-C-G.
Other names: c.1223C>G, p.Ala408Gly (NM_001242399.2); c.1202C>G, p.Ala401Gly (NM_001242400.2, NM_001242401.4, NM_001242402.2 and 4 more transcripts); c.1136C>G, p.Ala379Gly (NM_001242460.2); c.*244C>G (NM_001242462.1); c.1202C>G (NM_000163.4); short protein forms A379G, A401G, A408G.
Identifiers: ClinVar variation 3608771 (VCV003608771.2).